The following is an entry in ClinVar:

ClinVar aggregate classification (germline): Pathogenic (1 of 4 stars; one submission).

Conditions:
Aniridia 1 (AN1). Identifiers: Orphanet 250923, MedGen C0344542, MONDO:0024507, OMIM 106210.
Irido-corneo-trabecular dysgenesis (ASGD5). Also called: ANTERIOR SEGMENT DYSGENESIS 5. Identifiers: Orphanet 708, MedGen C0344559, MONDO:0011414, OMIM 604229, HP:0000659.

Submission:

Labcorp Genetics (formerly Invitae), Labcorp
Classification: Pathogenic for Aniridia 1; Irido-corneo-trabecular dysgenesis. Last evaluated: 2017-10-19. Review status: criteria provided, single submitter. Criteria: Invitae Variant Classification Sherloc (09022015). Collection method: clinical testing. Allele origin: germline.
Comment: This variant has been reported in an individual affected with bilateral aniridia, congenital cataracts, and nystagmus (PMID: 10737978). This variant is also known as c.1482insTACTC in the literature. This sequence change creates a premature translational stop signal (p.Cys356Thrfs*11) in the PAX6 gene. It is expected to result in an absent or disrupted protein product. This variant is not present in population databases (ExAC no frequency). Loss-of-function variants in PAX6 are known to be pathogenic (PMID: 12634864). For these reasons, this variant has been classified as Pathogenic.

Literature cited by the submitters: PubMed 10737978; PubMed 12634864.

NM_001368894.2(PAX6):c.1102_1106dup (p.Cys370fs)

Gene: PAX6 (paired box 6; minus strand). Cytogenetic location: 11p13.
Variant type: Duplication.
Coding change: c.1102_1106dup on transcript NM_001368894.2 (MANE Select); coding-DNA positions 1102 to 1106, 5 bases duplicated (TACTC; older notation c.1102_1106dupTACTC).
Protein change: p.Cys370fs; shifts the reading frame from cysteine 370.
Molecular consequence: frameshift variant. On other transcripts: non-coding transcript variant (1), intron variant (9).
Genome position (GRCh38, 1-based): chr11:31,790,829-31,790,833, GAGTA duplicated on the plus strand (TACTC on the coding strand, the reverse complement: PAX6 is on the minus strand). VCF-style (leftmost placement, unchanged base first): chr11-31790828-G-GGAGTA. GRCh37 (hg19) VCF-style: chr11-31812376-G-GGAGTA.
Other names: c.1060_1064dupTACTC (NM_000280.4); c.1060_1064dup, p.Cys356fs (NM_000280.6, NM_001127612.3, NM_001258464.2 and 6 more transcripts); c.1102_1106dup, p.Cys370fs (NM_001258462.3, NM_001258463.2, NM_001310158.2 and 3 more transcripts); c.652_656dup, p.Cys220fs (NM_001310160.2, NM_001310161.3, NM_001368899.2 and 10 more transcripts); c.1303_1307dup, p.Cys437fs (NM_001368910.2); c.1177_1181dup, p.Cys395fs (NM_001368918.2, NM_001368919.2); c.1135_1139dup, p.Cys381fs (NM_001368920.2); c.901_905dup, p.Cys303fs (NM_001368922.2, NM_001368923.2, NM_001368924.2 and 3 more transcripts); and 7 more; short protein forms C220fs, C356fs, C437fs, C155fs, C289fs, C381fs, C395fs, C303fs.
Identifiers: ClinVar variation 460455 (VCV000460455.9), dbSNP rs1554982609, ClinGen allele CA658658037.